The following is an entry in ClinVar:

ClinVar aggregate classification (germline): Uncertain significance (1 of 4 stars; one submission).

Allele frequency attached by ClinVar (database versions not stated): gnomAD 0.00001; TOPMed 0.00002; ExAC 0.00003.
gnomAD v4.1: 10 of 1,613,272 alleles (0.00062%); highest among the groups gnomAD compares: Admixed American, 0.017%; no homozygotes.

Submission:

Labcorp Genetics (formerly Invitae), Labcorp
Classification: Uncertain significance. Last evaluated: 2022-05-06. Review status: criteria provided, single submitter. Criteria: Invitae Variant Classification Sherloc (09022015). Collection method: clinical testing. Allele origin: germline.
Comment: In summary, the available evidence is currently insufficient to determine the role of this variant in disease. Therefore, it has been classified as a Variant of Uncertain Significance. Algorithms developed to predict the effect of missense changes on protein structure and function are either unavailable or do not agree on the potential impact of this missense change (SIFT: "Deleterious"; PolyPhen-2: "Possibly Damaging"; Align-GVGD: "Class C0"). This sequence change replaces leucine, which is neutral and non-polar, with methionine, which is neutral and non-polar, at codon 309 of the BRD4 protein (p.Leu309Met). This variant is present in population databases (rs756493135, gnomAD 0.03%). This variant has not been reported in the literature in individuals affected with BRD4-related conditions.

NM_001379291.1(BRD4):c.925C>A (p.Leu309Met)

Gene: BRD4 (bromodomain containing 4; minus strand). Cytogenetic location: 19p13.12.
Variant type: single nucleotide variant.
Coding change: c.925C>A on transcript NM_001379291.1 (MANE Select); coding-DNA position 925, C replaced by A.
Protein change: p.Leu309Met; replaces leucine 309 with methionine.
Molecular consequence: missense variant.
Genome position (GRCh38, 1-based): chr19:15,264,691, G>T on the plus strand (C>A on the coding strand, the complement: BRD4 is on the minus strand). VCF-style: chr19-15264691-G-T. GRCh37 (hg19) VCF-style: chr19-15375502-G-T.
Other names: c.925C>A, p.Leu309Met (NM_001330384.2, NM_001379292.1, NM_014299.3 and 1 more transcripts); short protein forms L309M.
Identifiers: ClinVar variation 2054450 (VCV002054450.3), dbSNP rs756493135, ClinGen allele CA9265491.
Genomic context (GRCh38, chr19:15,264,691, plus strand): 5'-TCACAGGCCGGCTGCTCTCCCGCCGCTGGCCCAGCTTGGTGGTCTTGGGCTCCGGGGGCA[G>T]CGAGGGTGGCTCGTGAATGGGGTCAATGGTGGTGGGGGTGGTGGTGTCTGCTTTCCTCTT-3'
Protein context (NP_001366220.1, residues 299-319): TIDPIHEPPS[Leu309Met]PPEPKTTKLG